The following is an entry in ClinVar:

ClinVar aggregate classification (germline): Uncertain significance (1 of 4 stars; one submission).

Conditions:
Duchenne muscular dystrophy (DMD). Also called: MUSCULAR DYSTROPHY, PSEUDOHYPERTROPHIC PROGRESSIVE, DUCHENNE TYPE; Duchenne Muscular Dystrophy (DMD). Identifiers: Orphanet 98896, MedGen C0013264, MONDO:0010679, OMIM 310200.

Submission:

Labcorp Genetics (formerly Invitae), Labcorp
Classification: Uncertain significance for Duchenne muscular dystrophy. Last evaluated: 2022-09-20. Review status: criteria provided, single submitter. Criteria: Invitae Variant Classification Sherloc (09022015). Collection method: clinical testing. Allele origin: germline.
Comment: This variant is not present in population databases (gnomAD no frequency). In summary, the available evidence is currently insufficient to determine the role of this variant in disease. Therefore, it has been classified as a Variant of Uncertain Significance. Advanced modeling of protein sequence and biophysical properties (such as structural, functional, and spatial information, amino acid conservation, physicochemical variation, residue mobility, and thermodynamic stability) performed at Invitae indicates that this missense variant is not expected to disrupt DMD protein function. This variant has not been reported in the literature in individuals affected with DMD-related conditions. This sequence change replaces glutamine, which is neutral and polar, with glutamic acid, which is acidic and polar, at codon 1756 of the DMD protein (p.Gln1756Glu).

NM_004006.3(DMD):c.5266C>G (p.Gln1756Glu)

Gene: DMD (dystrophin; minus strand). Cytogenetic location: Xp21.1.
Variant type: single nucleotide variant.
Coding change: c.5266C>G on transcript NM_004006.3 (MANE Select); coding-DNA position 5266, C replaced by G.
Protein change: p.Gln1756Glu; replaces glutamine 1756 with glutamic acid.
Molecular consequence: missense variant.
Genome position (GRCh38, 1-based): chrX:32,362,847, G>C on the plus strand (C>G on the coding strand, the complement: DMD is on the minus strand). VCF-style: chrX-32362847-G-C. GRCh37 (hg19) VCF-style: chrX-32380964-G-C.
Other names: c.5242C>G, p.Gln1748Glu (NM_000109.4); c.5254C>G, p.Gln1752Glu (NM_004009.3); c.4897C>G, p.Gln1633Glu (NM_004010.3); c.1243C>G, p.Gln415Glu (NM_004011.4); c.1234C>G, p.Gln412Glu (NM_004012.4); short protein forms Q1748E, Q415E, Q1633E, Q412E, Q1752E, Q1756E.
Identifiers: ClinVar variation 2153290 (VCV002153290.4), dbSNP rs1557303544, ClinGen allele CA412671118.
Genomic context (GRCh38, chrX:32,362,847, plus strand): 5'-CCTTTCCAGTCTTAATTCTGTGTGAAATGGCTGCAAATCGATGGTTGAGCTCTGAGATTT[G>C]GGGCTCTACTAATTTCCTGCAGTGGTCACCGCGGTTTGCCATCAAGTTTGCTGCTTGGTC-3'
Protein context (NP_003997.2, residues 1746-1766): GDHCRKLVEP[Gln1756Glu]ISELNHRFAA